The following is an entry in ClinVar:

ClinVar aggregate classification (germline): Uncertain significance. Review status: criteria provided, multiple submitters, no conflicts (2 of 4 stars). 2 submissions from 2 submitters: Uncertain significance (2). Last evaluated 2025-01-06.

Conditions:
Gorlin syndrome. Also called: Nevoid Basal Cell Carcinoma Syndrome; Basal cell nevus syndrome. Identifiers: Orphanet 377, MedGen C0004779, MONDO:0007187.
Basal cell carcinoma, susceptibility to, 1. Also called: BCC1. Identifiers: MedGen C2751544, MONDO:0011556, OMIM 605462.

Allele frequency attached by ClinVar (database versions not stated): gnomAD exomes below 0.00001.
gnomAD v4.1: 1 of 1,614,130 alleles (0.000062%); highest among the groups gnomAD compares: Non-Finnish European, 0.000085%; no homozygotes.

Submissions (2):

Labcorp Genetics (formerly Invitae), Labcorp
Classification: Uncertain significance for Gorlin syndrome. Last evaluated: 2025-01-06. Review status: criteria provided, single submitter. Criteria: Invitae Variant Classification Sherloc (09022015). Collection method: clinical testing. Allele origin: germline.
Comment: This sequence change replaces glycine, which is neutral and non-polar, with glutamic acid, which is acidic and polar, at codon 762 of the PTCH1 protein (p.Gly762Glu). This variant is not present in population databases (gnomAD no frequency). This variant has not been reported in the literature in individuals affected with PTCH1-related conditions. ClinVar contains an entry for this variant (Variation ID: 945165). Invitae Evidence Modeling of protein sequence and biophysical properties (such as structural, functional, and spatial information, amino acid conservation, physicochemical variation, residue mobility, and thermodynamic stability) has been performed for this missense variant. However, the output from this modeling did not meet the statistical confidence thresholds required to predict the impact of this variant on PTCH1 protein function. In summary, the available evidence is currently insufficient to determine the role of this variant in disease. Therefore, it has been classified as a Variant of Uncertain Significance.

Baylor Genetics
Classification: Uncertain significance for Basal cell carcinoma, susceptibility to, 1. Last evaluated: 2023-10-18. Review status: criteria provided, single submitter. Criteria: ACMG Guidelines, 2015. Collection method: clinical testing. Allele origin: unknown.

NM_000264.5(PTCH1):c.2285G>A (p.Gly762Glu)

Genes: PTCH1 (patched 1; minus strand), LOC100507346 (uncharacterized LOC100507346; plus strand). Cytogenetic location: 9q22.32.
Variant type: single nucleotide variant.
Coding change: c.2285G>A on transcript NM_000264.5 (MANE Select); coding-DNA position 2285, G replaced by A.
Protein change: p.Gly762Glu; replaces glycine 762 with glutamic acid.
Molecular consequence: missense variant. On other transcripts: non-coding transcript variant (1).
Genome position (GRCh38, 1-based): chr9:95,467,391, C>T on the plus strand (G>A on the coding strand, the complement: PTCH1 is on the minus strand). VCF-style: chr9-95467391-C-T. GRCh37 (hg19) VCF-style: chr9-98229673-C-T.
Other names: c.2087G>A, p.Gly696Glu (NM_001083602.3); c.2282G>A, p.Gly761Glu (NM_001083603.3); c.1832G>A, p.Gly611Glu (NM_001083604.3, NM_001083605.3, NM_001083606.3 and 1 more transcripts); c.2129G>A, p.Gly710Glu (NM_001354918.2); short protein forms G761E, G762E, G710E, G611E, G696E.
Identifiers: ClinVar variation 945165 (VCV000945165.11), dbSNP rs1840110120, ClinGen allele CA374114701.